The following is an entry in ClinVar:

NM_021831.6(AGBL5):c.85T>A (p.Ser29Thr)

Gene: AGBL5 (AGBL carboxypeptidase 5; plus strand). Cytogenetic location: 2p23.3.
Variant type: single nucleotide variant.
Coding change: c.85T>A on transcript NM_021831.6 (MANE Select); coding-DNA position 85, T replaced by A.
Protein change: p.Ser29Thr; replaces serine 29 with threonine.
Molecular consequence: missense variant. On other transcripts: non-coding transcript variant (2).
Genome position (GRCh38, 1-based): chr2:27,053,043, T>A. VCF-style: chr2-27053043-T-A. GRCh37 (hg19) VCF-style: chr2-27275911-T-A.
Other names: c.85T>A, p.Ser29Thr (NM_001035507.3); short protein forms S29T.
Identifiers: ClinVar variation 953380 (VCV000953380.9), dbSNP rs748505939, ClinGen allele CA1567540.

ClinVar aggregate classification (germline): Uncertain significance. Review status: criteria provided, multiple submitters, no conflicts (2 of 4 stars). 3 submissions from 3 submitters: Uncertain significance (3). Last evaluated 2025-11-27.

Conditions:
Inborn genetic diseases. Identifiers: MedGen C0950123, MeSH D030342.

Allele frequency attached by ClinVar (database versions not stated): gnomAD 0.00002; TOPMed 0.00003.
gnomAD v4.1: 127 of 1,613,728 alleles (0.0079%); highest among the groups gnomAD compares: Non-Finnish European, 0.011%; no homozygotes.

Submissions (3):

Labcorp Genetics (formerly Invitae), Labcorp
Classification: Uncertain significance. Last evaluated: 2025-11-27. Review status: criteria provided, single submitter. Criteria: Invitae Variant Classification Sherloc (09022015). Collection method: clinical testing. Allele origin: germline.
Comment: This sequence change replaces serine, which is neutral and polar, with threonine, which is neutral and polar, at codon 29 of the AGBL5 protein (p.Ser29Thr). This variant is present in population databases (rs748505939, gnomAD 0.006%). This variant has not been reported in the literature in individuals affected with AGBL5-related conditions. ClinVar contains an entry for this variant (Variation ID: 953380). An algorithm developed to predict the effect of missense changes on protein structure and function (PolyPhen-2) suggests that this variant is likely to be tolerated. In summary, the available evidence is currently insufficient to determine the role of this variant in disease. Therefore, it has been classified as a Variant of Uncertain Significance.

Ambry Genetics
Classification: Uncertain significance for Inborn genetic diseases. Last evaluated: 2024-12-06. Review status: criteria provided, single submitter. Criteria: Ambry Variant Classification Scheme 2023. Collection method: clinical testing. Allele origin: germline.

Blueprint Genetics
Classification: Uncertain significance. Last evaluated: 2022-07-26. Review status: criteria provided, single submitter. Criteria: ACMG Guidelines, 2015. Collection method: clinical testing. Allele origin: germline.